The following is an entry in ClinVar:

ClinVar aggregate classification (germline): Uncertain significance. Review status: criteria provided, multiple submitters, no conflicts (2 of 4 stars). 2 submissions from 2 submitters: Uncertain significance (2). Last evaluated 2024-03-31.

Conditions:
Inborn genetic diseases. Identifiers: MedGen C0950123, MeSH D030342.
ALG9 congenital disorder of glycosylation (CDG1L). Also called: ALG9-CDG; CONGENITAL DISORDER OF GLYCOSYLATION, TYPE Il; CDG Il. Identifiers: Orphanet 79328, MedGen C2931006, MONDO:0012117, OMIM 608776.

Allele frequency attached by ClinVar (database versions not stated): TOPMed 0.00001; gnomAD exomes 0.00002 and 0.00003; gnomAD 0.00003 and 0.00004; ExAC 0.00004.

Submissions (3):

Ambry Genetics
Classification: Uncertain significance for Inborn genetic diseases. Last evaluated: 2024-03-31. Review status: criteria provided, single submitter. Criteria: Ambry Variant Classification Scheme 2023. Collection method: clinical testing. Allele origin: germline.

Labcorp Genetics (formerly Invitae), Labcorp
Classification: Uncertain significance for ALG9 congenital disorder of glycosylation. Last evaluated: 2021-09-21. Review status: criteria provided, single submitter. Criteria: Invitae Variant Classification Sherloc (09022015). Collection method: clinical testing. Allele origin: germline.
Comment: In summary, the available evidence is currently insufficient to determine the role of this variant in disease. Therefore, it has been classified as a Variant of Uncertain Significance. Algorithms developed to predict the effect of sequence changes on RNA splicing suggest that this variant may create or strengthen a splice site. Algorithms developed to predict the effect of missense changes on protein structure and function (SIFT, PolyPhen-2, Align-GVGD) all suggest that this variant is likely to be tolerated. This variant has not been reported in the literature in individuals affected with ATP6V0A2-related conditions. This variant is present in population databases (rs766224435, ExAC 0.007%). This sequence change replaces alanine with valine at codon 722 of the ATP6V0A2 protein (p.Ala722Val). The alanine residue is weakly conserved and there is a small physicochemical difference between alanine and valine.

Dr. Peter K. Rogan Lab, Western University
No classification provided (evidence only). Condition: Squamous cell lung carcinoma. Review status: no classification provided. Collection method: in vitro. Allele origin: not applicable. Functional consequence: retained intron. Not counted in ClinVar's aggregate classification.

NM_012463.4(ATP6V0A2):c.2165C>T (p.Ala722Val)

Gene: ATP6V0A2 (ATPase H+ transporting V0 subunit a2; plus strand). Cytogenetic location: 12q24.31.
Variant type: single nucleotide variant.
Coding change: c.2165C>T on transcript NM_012463.4 (MANE Select); coding-DNA position 2165, C replaced by T.
Protein change: p.Ala722Val; replaces alanine 722 with valine.
Molecular consequence: missense variant.
Genome position (GRCh38, 1-based): chr12:123,752,392, C>T. VCF-style: chr12-123752392-C-T. GRCh37 (hg19) VCF-style: chr12-124236939-C-T.
Other names: c.2165C>T (NM_012463.3); short protein forms A722V.
Identifiers: ClinVar variation 1475985 (VCV001475985.6), dbSNP rs766224435, ClinGen allele CA6862146.